The following is an entry in ClinVar:

NM_001134363.3(RBM20):c.1051G>A (p.Asp351Asn)

Gene: RBM20 (RNA binding motif protein 20; plus strand). Cytogenetic location: 10q25.2.
Variant type: single nucleotide variant.
Coding change: c.1051G>A on transcript NM_001134363.3 (MANE Select); coding-DNA position 1051, G replaced by A.
Protein change: p.Asp351Asn; replaces aspartic acid 351 with asparagine.
Molecular consequence: missense variant.
Genome position (GRCh38, 1-based): chr10:110,781,660, G>A. VCF-style: chr10-110781660-G-A. GRCh37 (hg19) VCF-style: chr10-112541418-G-A.
Other names: c.1051G>A (NM_001134363.1); short protein forms D351N.
Identifiers: ClinVar variation 953281 (VCV000953281.9), dbSNP rs372999896, ClinGen allele CA5688549.
Genomic context (GRCh38, chr10:110,781,660, plus strand): 5'-CCTGATCTCACAGCAGGTCCCATGTGGCCTCCACCCCACAACCAGCCCTATGAGCTGTAC[G>A]ACCCCGAGGAACCAACCTCAGACAGGACACCTCCTTCCTTCGGGGGTCGGCTTAACAACA-3'
Protein context (NP_001127835.2, residues 341-361): PPHNQPYELY[Asp351Asn]PEEPTSDRTP

ClinVar aggregate classification (germline): Conflicting classifications of pathogenicity. Review status: criteria provided, conflicting classifications (1 of 4 stars). 3 submissions from 3 submitters: Uncertain significance (2); Benign (1). Last evaluated 2026-03-30.

Conditions:
Cardiovascular phenotype. Identifiers: MedGen CN230736.
Dilated cardiomyopathy 1DD (CMD1DD). Identifiers: Orphanet 154, MedGen C2750995, MONDO:0013168, OMIM 613172.

Allele frequency attached by ClinVar (database versions not stated): ExAC 0.00010; TOPMed 0.00002; ESP Exome Variant Server 0.00022.
gnomAD v4.1: 8 of 1,548,294 alleles (0.00052%); highest among the groups gnomAD compares: African/African-American, 0.0041%; no homozygotes.

Submissions (3):

Ambry Genetics
Classification: Uncertain significance for Cardiovascular phenotype. Last evaluated: 2026-03-30. Review status: criteria provided, single submitter. Criteria: Ambry Variant Classification Scheme 2023. Collection method: clinical testing. Allele origin: germline.
Comment: The p.D351N variant (also known as c.1051G>A), located in coding exon 2 of the RBM20 gene, results from a G to A substitution at nucleotide position 1051. The aspartic acid at codon 351 is replaced by asparagine, an amino acid with highly similar properties. This amino acid position is conserved. In addition, this alteration is predicted to be tolerated by in silico analysis. Based on the available evidence, the clinical significance of this variant remains unclear.

Labcorp Genetics (formerly Invitae), Labcorp
Classification: Benign for Dilated cardiomyopathy 1DD. Last evaluated: 2025-12-06. Review status: criteria provided, single submitter. Criteria: Invitae Variant Classification Sherloc (09022015). Collection method: clinical testing. Allele origin: germline.

GeneDx
Classification: Uncertain significance. Last evaluated: 2025-06-30. Review status: criteria provided, single submitter. Criteria: GeneDx Variant Classification Process June 2021. Collection method: clinical testing. Allele origin: germline. Affected: yes.
Comment: In silico analysis supports that this missense variant does not alter protein structure/function; Has not been previously published as pathogenic or benign to our knowledge